The following is an entry in ClinVar:

NM_001205254.2(OCLN):c.121C>G (p.Gln41Glu)

Gene: OCLN (occludin; plus strand). Cytogenetic location: 5q13.2.
Variant type: single nucleotide variant.
Coding change: c.121C>G on transcript NM_001205254.2 (MANE Select); coding-DNA position 121, C replaced by G.
Protein change: p.Gln41Glu; replaces glutamine 41 with glutamic acid.
Molecular consequence: missense variant. On other transcripts: intron variant (1).
Genome position (GRCh38, 1-based): chr5:69,509,211, C>G. VCF-style: chr5-69509211-C-G. GRCh37 (hg19) VCF-style: chr5-68805038-C-G.
Other names: c.121C>G, p.Gln41Glu (NM_001410743.1, NM_001438048.1, NM_001438604.1 and 1 more transcripts); c.-24-4737C>G (NM_001205255.2); short protein forms Q41E.
Identifiers: ClinVar variation 1309456 (VCV001309456.4), dbSNP rs753732841, ClinGen allele CA3294380.

ClinVar aggregate classification (germline): Uncertain significance. Review status: criteria provided, multiple submitters, no conflicts (2 of 4 stars). 3 submissions from 3 submitters: Uncertain significance (3). Last evaluated 2022-07-08.

Conditions:
Inborn genetic diseases. Identifiers: MedGen C0950123, MeSH D030342.

Allele frequency attached by ClinVar (database versions not stated): ExAC 0.00002; gnomAD exomes 0.00006 and 0.00021; TOPMed 0.00006; gnomAD 0.00008 and 0.00009.
gnomAD v4.1: 306 of 1,614,012 alleles (0.019%); highest among the groups gnomAD compares: Non-Finnish European, 0.025%; no homozygotes.

Submissions (3):

Ambry Genetics
Classification: Uncertain significance for Inborn genetic diseases. Last evaluated: 2022-07-08. Review status: criteria provided, single submitter. Criteria: Ambry Variant Classification Scheme 2023. Collection method: clinical testing. Allele origin: germline.

Labcorp Genetics (formerly Invitae), Labcorp
Classification: Uncertain significance. Last evaluated: 2022-02-23. Review status: criteria provided, single submitter. Criteria: Invitae Variant Classification Sherloc (09022015). Collection method: clinical testing. Allele origin: germline.
Comment: This sequence change replaces glutamine, which is neutral and polar, with glutamic acid, which is acidic and polar, at codon 41 of the OCLN protein (p.Gln41Glu). This variant is present in population databases (rs753732841, gnomAD 0.01%). This variant has not been reported in the literature in individuals affected with OCLN-related conditions. ClinVar contains an entry for this variant (Variation ID: 1309456). Algorithms developed to predict the effect of missense changes on protein structure and function (SIFT, PolyPhen-2, Align-GVGD) all suggest that this variant is likely to be tolerated. In summary, the available evidence is currently insufficient to determine the role of this variant in disease. Therefore, it has been classified as a Variant of Uncertain Significance.

GeneDx
Classification: Uncertain significance. Last evaluated: 2019-10-22. Review status: criteria provided, single submitter. Criteria: GeneDx Variant Classification Process June 2021. Collection method: clinical testing. Allele origin: germline. Affected: yes.
Comment: Not observed at a significant frequency in large population cohorts (Lek et al., 2016); In silico analysis, which includes protein predictors and evolutionary conservation, supports that this variant does not alter protein structure/function; Has not been previously published as pathogenic or benign to our knowledge